The following is an entry in ClinVar:

ClinVar aggregate classification (germline): Pathogenic (1 of 4 stars; one submission).

Conditions:
Nemaline myopathy 2 (NEM2). Also called: Nemaline myopathy 2, autosomal recessive. Identifiers: MedGen C1850569, MONDO:0009725, OMIM 256030.

Submission:

Labcorp Genetics (formerly Invitae), Labcorp
Classification: Pathogenic for Nemaline myopathy 2. Last evaluated: 2024-11-03. Review status: criteria provided, single submitter. Criteria: Invitae Variant Classification Sherloc (09022015). Collection method: clinical testing. Allele origin: germline.
Comment: This sequence change creates a premature translational stop signal (p.His445Thrfs*3) in the NEB gene. It is expected to result in an absent or disrupted protein product. Loss-of-function variants in NEB are known to be pathogenic (PMID: 25205138). This variant is not present in population databases (gnomAD no frequency). This variant has not been reported in the literature in individuals affected with NEB-related conditions. ClinVar contains an entry for this variant (Variation ID: 657235). For these reasons, this variant has been classified as Pathogenic.

Literature cited by the submitters: PubMed 25205138.

NM_001164508.2(NEB):c.1333del (p.His445fs)

Gene: NEB (nebulin; minus strand). Cytogenetic location: 2q23.3.
Variant type: Deletion.
Coding change: c.1333del on transcript NM_001164508.2 (MANE Select); coding-DNA position 1333, one base deleted (C; older notation c.1333delC).
Protein change: p.His445fs; shifts the reading frame from histidine 445.
Molecular consequence: frameshift variant.
Genome position (GRCh38, 1-based): chr2:151,697,382, G deleted on the plus strand (C on the coding strand, the reverse complement: NEB is on the minus strand). VCF-style (leftmost placement, unchanged base first): chr2-151697381-TG-T. GRCh37 (hg19) VCF-style: chr2-152553895-TG-T.
Other names: c.1333del, p.His445fs (NM_001164507.2, NM_001271208.2, NM_004543.5); short protein forms H445fs.
Identifiers: ClinVar variation 657235 (VCV000657235.6), dbSNP rs1576704575, ClinGen allele CA915942829.
Genomic context (GRCh38, chr2:151,697,381, plus strand): 5'-GAAAGTCAAACAATTGTCTTAGAACTTACATCACTGTTTTGAGCTGTGACTTTCATGCAG[TG>T]TGAATGGTATGGATCCTCGAAGCTGCCTACATAATGTCCCAAAATATCTTTTAAGTAGGA-3'